The following is an entry in ClinVar:

ClinVar aggregate classification (germline): Uncertain significance (1 of 4 stars; one submission).

Conditions:
Growth hormone insensitivity with immune dysregulation 1, autosomal recessive. Also called: GROWTH HORMONE INSENSITIVITY DUE TO POSTRECEPTOR DEFECT; LARON SYNDROME DUE TO POSTRECEPTOR DEFECT; GROWTH HORMONE INSENSITIVITY SYNDROME WITH IMMUNE DYSREGULATION 1, AUTOSOMAL RECESSIVE; Laron syndrome with immunodeficiency. Identifiers: Orphanet 220465, MedGen C5435698, MONDO:0100211, OMIM 245590.

Submission:

Labcorp Genetics (formerly Invitae), Labcorp
Classification: Uncertain significance for Growth hormone insensitivity with immune dysregulation 1, autosomal recessive. Last evaluated: 2024-05-25. Review status: criteria provided, single submitter. Criteria: Invitae Variant Classification Sherloc (09022015). Collection method: clinical testing. Allele origin: germline.
Comment: This sequence change replaces threonine, which is neutral and polar, with lysine, which is basic and polar, at codon 158 of the STAT5B protein (p.Thr158Lys). This variant is not present in population databases (gnomAD no frequency). This variant has not been reported in the literature in individuals affected with STAT5B-related conditions. Advanced modeling of protein sequence and biophysical properties (such as structural, functional, and spatial information, amino acid conservation, physicochemical variation, residue mobility, and thermodynamic stability) performed at Invitae indicates that this missense variant is expected to disrupt STAT5B protein function with a positive predictive value of 80%. In summary, the available evidence is currently insufficient to determine the role of this variant in disease. Therefore, it has been classified as a Variant of Uncertain Significance.

NM_012448.4(STAT5B):c.473C>A (p.Thr158Lys)

Gene: STAT5B (signal transducer and activator of transcription 5B; minus strand). Cytogenetic location: 17q21.2.
Variant type: single nucleotide variant.
Coding change: c.473C>A on transcript NM_012448.4 (MANE Select); coding-DNA position 473, C replaced by A.
Protein change: p.Thr158Lys; replaces threonine 158 with lysine.
Molecular consequence: missense variant.
Genome position (GRCh38, 1-based): chr17:42,223,459, G>T on the plus strand (C>A on the coding strand, the complement: STAT5B is on the minus strand). VCF-style: chr17-42223459-G-T. GRCh37 (hg19) VCF-style: chr17-40375477-G-T.
Other names: short protein forms T158K.
Identifiers: ClinVar variation 3654554 (VCV003654554.2).
Genomic context (GRCh38, chr17:42,223,459, plus strand): 5'-TCCTGGTACTGGATGATGAAGTACTCCTGAGTCTGCTGCAGCTTTTTTAACTCATTCTCT[G>T]TGTCCTGCGTGACCAGTCGCAGCTCCTCAAACGTCTGGTTGATCTGGAGGTGTTTCTGGG-3'
Protein context (NP_036580.2, residues 148-168): FEELRLVTQD[Thr158Lys]ENELKKLQQT